The following is an entry in ClinVar:

ClinVar aggregate classification (germline): Conflicting classifications of pathogenicity. Review status: criteria provided, conflicting classifications (1 of 4 stars). 2 submissions from 2 submitters: Uncertain significance (1); Likely benign (1). Last evaluated 2022-08-20.

Allele frequency attached by ClinVar (database versions not stated): ExAC 0.00005; gnomAD exomes 0.00005; 1000 Genomes Project 30x 0.00016; 1000 Genomes Project 0.00020.
gnomAD v4.1: 23 of 1,613,380 alleles (0.0014%); highest among the groups gnomAD compares: South Asian, 0.023%; no homozygotes.

Submissions (2):

Labcorp Genetics (formerly Invitae), Labcorp
Classification: Uncertain significance. Last evaluated: 2022-08-20. Review status: criteria provided, single submitter. Criteria: Invitae Variant Classification Sherloc (09022015). Collection method: clinical testing. Allele origin: germline.
Comment: In summary, the available evidence is currently insufficient to determine the role of this variant in disease. Therefore, it has been classified as a Variant of Uncertain Significance. Algorithms developed to predict the effect of sequence changes on RNA splicing suggest that this variant may create or strengthen a splice site. ClinVar contains an entry for this variant (Variation ID: 514812). This variant has not been reported in the literature in individuals affected with NARS2-related conditions. This variant is present in population databases (rs544972589, gnomAD 0.04%). This sequence change affects codon 330 of the NARS2 mRNA. It is a 'silent' change, meaning that it does not change the encoded amino acid sequence of the NARS2 protein.

GeneDx
Classification: Likely benign. Last evaluated: 2018-01-25. Review status: criteria provided, single submitter. Criteria: GeneDx Variant Classification (06012015). Collection method: clinical testing. Allele origin: germline. Affected: yes.
Comment: This variant is considered likely benign or benign based on one or more of the following criteria: it is a conservative change, it occurs at a poorly conserved position in the protein, it is predicted to be benign by multiple in silico algorithms, and/or has population frequency not consistent with disease.

NM_024678.6(NARS2):c.990A>G (p.Leu330=)

Gene: NARS2 (asparaginyl-tRNA synthetase 2, mitochondrial; minus strand). Cytogenetic location: 11q14.1.
Variant type: single nucleotide variant.
Coding change: c.990A>G on transcript NM_024678.6 (MANE Select); coding-DNA position 990, A replaced by G.
Protein change: p.Leu330=; no amino-acid change (leucine 330 retained).
Molecular consequence: synonymous variant.
Genome position (GRCh38, 1-based): chr11:78,469,283, T>C on the plus strand (A>G on the coding strand, the complement: NARS2 is on the minus strand). VCF-style: chr11-78469283-T-C. GRCh37 (hg19) VCF-style: chr11-78180329-T-C.
Other names: c.309A>G, p.Leu103= (NM_001243251.2).
Identifiers: ClinVar variation 514812 (VCV000514812.6), dbSNP rs544972589, ClinGen allele CA6205627.